The following is an entry in ClinVar:

ClinVar aggregate classification (germline): Uncertain significance (1 of 4 stars; one submission).

Conditions:
Cardiovascular phenotype. Identifiers: MedGen CN230736.

Allele frequency attached by ClinVar (database versions not stated): TOPMed below 0.00001; gnomAD 0.00003.
gnomAD v4.1: 47 of 1,488,990 alleles (0.0032%); 1 homozygote.

Submission:

Ambry Genetics
Classification: Uncertain significance for Cardiovascular phenotype. Last evaluated: 2020-03-28. Review status: criteria provided, single submitter. Criteria: Ambry Variant Classification Scheme 2023. Collection method: clinical testing. Allele origin: germline.
Comment: The c.-1C>T variant is located in the 5' untranslated region (5&rsquo; UTR) of the RBM20 gene. This variant results from a C to T substitution 1 bases upstream from the first translated codon. This nucleotide position is well conserved in available vertebrate species. Since supporting evidence is limited at this time, the clinical significance of this alteration remains unclear.

NM_001134363.3(RBM20):c.-1C>T

Gene: RBM20 (RNA binding motif protein 20; plus strand). Cytogenetic location: 10q25.2.
Variant type: single nucleotide variant.
Coding change: c.-1C>T on transcript NM_001134363.3 (MANE Select); 1 bases upstream of the start codon, C replaced by T.
Molecular consequence: 5 prime UTR variant.
Genome position (GRCh38, 1-based): chr10:110,644,454, C>T. VCF-style: chr10-110644454-C-T. GRCh37 (hg19) VCF-style: chr10-112404212-C-T.
Identifiers: ClinVar variation 1784193 (VCV001784193.2), dbSNP rs752460260, ClinGen allele CA5688483.